The following is an entry in ClinVar:

NM_003640.5(ELP1):c.1143G>A (p.Val381=)

Gene: ELP1 (elongator acetyltransferase complex subunit 1; minus strand). Cytogenetic location: 9q31.3.
Variant type: single nucleotide variant.
Coding change: c.1143G>A on transcript NM_003640.5 (MANE Select); coding-DNA position 1143, G replaced by A.
Protein change: p.Val381=; no amino-acid change (valine 381 retained).
Molecular consequence: synonymous variant.
Genome position (GRCh38, 1-based): chr9:108,912,310, C>T on the plus strand (G>A on the coding strand, the complement: ELP1 is on the minus strand). VCF-style: chr9-108912310-C-T. GRCh37 (hg19) VCF-style: chr9-111674590-C-T.
Other names: c.801G>A, p.Val267= (NM_001318360.2); c.96G>A, p.Val32= (NM_001330749.2); c.1143G>A (LRG_251t1, NM_003640.4).
Identifiers: ClinVar variation 380994 (VCV000380994.79), dbSNP rs35936107, ClinGen allele CA5175105.
Genomic context (GRCh38, chr9:108,912,310, plus strand): 5'-TCCCAGGAGCTTACTTCCATCAATGACAGCCACATTGGACAAGTCACTTGAATTATCTCC[C>T]ACGCTCCGGTCAGTCGTCCAGTGCCAATCATAGGCGAGGTAATGCCAGCCCTGACAGAGA-3'
Protein context (NP_003631.2, residues 371-391): YDWHWTTDRS[Val381=]GDNSSDLSNV

ClinVar aggregate classification (germline): Benign/Likely benign. Review status: criteria provided, multiple submitters, no conflicts (2 of 4 stars). 7 submissions from 7 submitters: Benign (1); Likely benign (4). 2 of the submissions do not count toward it. Last evaluated 2026-01-31.

Conditions:
ELP1-related disorder. Also called: ELP1-related condition.
Familial dysautonomia. Also called: FD; HSAN III. Identifiers: Orphanet 1764, MedGen C0013364, MONDO:0009131, OMIM 223900. Disease mechanism: loss of function.

Allele frequency attached by ClinVar (database versions not stated): gnomAD 0.00210 and 0.00197; 1000 Genomes Project 0.00240; TOPMed 0.00257; ESP Exome Variant Server 0.00261; 1000 Genomes Project 30x 0.00265; gnomAD exomes 0.00018 and 0.00051; ExAC 0.00063.

Submissions (7):

Labcorp Genetics (formerly Invitae), Labcorp
Classification: Benign. Last evaluated: 2026-01-31. Review status: criteria provided, single submitter. Criteria: Invitae Variant Classification Sherloc (09022015). Collection method: clinical testing. Allele origin: germline.

Blueprint Genetics
Classification: Likely benign. Last evaluated: 2024-09-16. Review status: criteria provided, single submitter. Criteria: ACMG Guidelines, 2015. Collection method: clinical testing. Allele origin: germline.

Ambry Genetics
Classification: Likely benign. Last evaluated: 2023-10-23. Review status: criteria provided, single submitter. Criteria: Ambry Variant Classification Scheme 2023. Collection method: clinical testing. Allele origin: germline.

CeGaT Center for Human Genetics Tuebingen
Classification: Likely benign. Last evaluated: 2023-04-01. Review status: criteria provided, single submitter. Criteria: CeGaT Center For Human Genetics Tuebingen Variant Classification Criteria Version 2. Collection method: clinical testing. Allele origin: germline. Affected: yes. Observed: 1 variant allele.
Comment: ELP1: BP4, BP7

GeneDx
Classification: Likely benign. Last evaluated: 2019-09-23. Review status: criteria provided, single submitter. Criteria: GeneDx Variant Classification Process June 2021. Collection method: clinical testing. Allele origin: germline. Affected: yes.

PreventionGenetics, part of Exact Sciences
Classification: Likely benign for ELP1-related condition. Last evaluated: 2019-03-18. Review status: no assertion criteria provided. Collection method: clinical testing. Allele origin: germline. Not counted in ClinVar's aggregate classification.
Comment: This variant is classified as likely benign based on ACMG/AMP sequence variant interpretation guidelines (Richards et al. 2015 PMID: 25741868, with internal and published modifications).

Natera, Inc.
Classification: Likely benign for Familial dysautonomia. Last evaluated: 2017-05-10. Review status: no assertion criteria provided. Collection method: clinical testing. Allele origin: germline. Not counted in ClinVar's aggregate classification.